The following is an entry in ClinVar:

ClinVar aggregate classification (germline): Likely benign. Review status: criteria provided, multiple submitters, no conflicts (2 of 4 stars). 2 submissions from 2 submitters: Likely benign (2). Last evaluated 2025-06-05.

Conditions:
FG syndrome (FGS). Identifiers: MedGen C0220769, MONDO:0002010.

Allele frequency attached by ClinVar (database versions not stated): gnomAD exomes 0.00001.
gnomAD v4.1: 12 of 1,211,457 alleles (0.00099%); highest among the groups gnomAD compares: Non-Finnish European, 0.0013%; no homozygotes.

Submissions (3):

Labcorp Genetics (formerly Invitae), Labcorp
Classification: Likely benign for FG syndrome. Last evaluated: 2025-06-05. Review status: criteria provided, single submitter. Criteria: Invitae Variant Classification Sherloc (09022015). Collection method: clinical testing. Allele origin: germline.

GeneDx
Classification: Likely benign. Last evaluated: 2017-05-05. Review status: criteria provided, single submitter. Criteria: GeneDx Variant Classification (06012015). Collection method: clinical testing. Allele origin: germline. Affected: yes.
Comment: This variant is considered likely benign or benign based on one or more of the following criteria: it is a conservative change, it occurs at a poorly conserved position in the protein, it is predicted to be benign by multiple in silico algorithms, and/or has population frequency not consistent with disease.

Dr. Peter K. Rogan Lab, Western University
No classification provided (evidence only). Condition: Familial cancer of breast. Review status: no classification provided. Collection method: in vitro. Allele origin: not applicable. Functional consequence: retained intron. Not counted in ClinVar's aggregate classification.

NM_005120.3(MED12):c.2850-7C>G

Gene: MED12 (mediator complex subunit 12; plus strand). Cytogenetic location: Xq13.1.
Variant type: single nucleotide variant.
Coding change: c.2850-7C>G on transcript NM_005120.3 (MANE Select); 7 bases into the intron before coding-DNA position 2850, C replaced by G.
Molecular consequence: intron variant.
Genome position (GRCh38, 1-based): chrX:71,127,329, C>G. VCF-style: chrX-71127329-C-G. GRCh37 (hg19) VCF-style: chrX-70347179-C-G.
Identifiers: ClinVar variation 509340 (VCV000509340.11), dbSNP rs1556336208, ClinGen allele CA658799782.